The following is an entry in ClinVar:

NC_000019.9:g.(?_50906740)_(50921204_?)dup

Gene: POLD1 (DNA polymerase delta 1, catalytic subunit; plus strand). Cytogenetic location: 19q13.33.
Variant type: Duplication.
Identifiers: ClinVar variation 1046835 (VCV001046835.5).

ClinVar aggregate classification (germline): Uncertain significance (1 of 4 stars; one submission).

Conditions:
POLD1-related polyposis and colorectal cancer syndrome (CRCS10). Also called: Colorectal cancer 10; COLORECTAL CANCER, SUSCEPTIBILITY TO, ON CHROMOSOME 19q; Colorectal cancer, susceptibility to, 10. Identifiers: Orphanet 220460, MedGen C2675481, MONDO:0012953, OMIM 612591.

Submission:

Labcorp Genetics (formerly Invitae), Labcorp
Classification: Uncertain significance for POLD1-related polyposis and colorectal cancer syndrome. Last evaluated: 2020-09-10. Review status: criteria provided, single submitter. Criteria: Invitae Variant Classification Sherloc (09022015). Collection method: clinical testing. Allele origin: germline.
Comment: This variant results in a copy number gain of the genomic region encompassing exon(s) 10-27 of the POLD1 gene. The 5' boundary is likely confined to intron 9. The 3' end of this event is unknown as it extends beyond the assayed region for this gene and therefore may encompass additional genes. As the precise location of this event is unknown, it may be in tandem or it may be located elsewhere in the genome. This variant has not been reported in the literature in individuals with POLD1-related conditions. Experimental studies and prediction algorithms are not available or were not evaluated, and the functional significance of this variant is currently unknown. In summary, the available evidence is currently insufficient to determine the role of this variant in disease. Therefore, it has been classified as a Variant of Uncertain Significance.